The following is an entry in ClinVar:

NM_014874.4(MFN2):c.1495+9C>T

Gene: MFN2 (mitofusin 2; plus strand). Cytogenetic location: 1p36.22.
Variant type: single nucleotide variant.
Coding change: c.1495+9C>T on transcript NM_014874.4 (MANE Select); 9 bases into the intron after coding-DNA position 1495, C replaced by T.
Molecular consequence: intron variant.
Genome position (GRCh38, 1-based): chr1:12,004,936, C>T. VCF-style: chr1-12004936-C-T. GRCh37 (hg19) VCF-style: chr1-12064993-C-T.
Other names: c.1495+9C>T (NM_001127660.2).
Identifiers: ClinVar variation 215515 (VCV000215515.63), dbSNP rs375494746, ClinGen allele CA339330.

ClinVar aggregate classification (germline): Benign/Likely benign. Review status: criteria provided, multiple submitters, no conflicts (2 of 4 stars). 10 submissions from 9 submitters: Benign (6); Likely benign (2). 2 of the submissions do not count toward it. Last evaluated 2026-02-03.

Conditions:
Charcot-Marie-Tooth disease type 2. Also called: Charcot-Marie-Tooth type 2. Identifiers: Orphanet 64746, MedGen C0270914, MONDO:0018993.
Charcot-Marie-Tooth disease. Also called: Charcot-Marie-Tooth Neuropathy; Charcot-Marie-Tooth Hereditary Neuropathy. Identifiers: Orphanet 166, MedGen C0007959, MONDO:0015626.
Hereditary motor and sensory neuropathy with optic atrophy. Also called: CHARCOT-MARIE-TOOTH DISEASE, TYPE 6; PERIPHERAL NEUROPATHY AND OPTIC ATROPHY. Identifiers: Orphanet 90120, MedGen C0393807, MONDO:0019551.

Allele frequency attached by ClinVar (database versions not stated): gnomAD exomes 0.00053 and 0.00099; gnomAD 0.00054 and 0.00059; TOPMed 0.00059; ExAC 0.00076; ESP Exome Variant Server 0.00115.
gnomAD v4.1: 1,479 of 1,598,830 alleles (0.093%); highest among the groups gnomAD compares: Non-Finnish European, 0.12%; 2 homozygotes.

Submissions (10):

Labcorp Genetics (formerly Invitae), Labcorp
Classification: Benign for Charcot-Marie-Tooth disease type 2. Last evaluated: 2026-02-03. Review status: criteria provided, single submitter. Criteria: Invitae Variant Classification Sherloc (09022015). Collection method: clinical testing. Allele origin: germline.

Athena Diagnostics
Classification: Benign. Last evaluated: 2025-07-18. Review status: criteria provided, single submitter. Criteria: Athena Diagnostics Criteria. Collection method: clinical testing. Allele origin: unknown.
Comment: The frequency of this variant in the general population is higher than would generally be expected for pathogenic variants in this gene. Computational tools yielded predictions that this variant is unlikely to have an effect on normal RNA splicing. This nucleotide position exhibits low evolutionary conservation. This variant has been seen where an alternate explanation for disease was also identified.

Blueprint Genetics
Classification: Likely benign. Last evaluated: 2024-11-25. Review status: criteria provided, single submitter. Criteria: ACMG Guidelines, 2015. Collection method: clinical testing. Allele origin: germline.

ARUP Laboratories, Molecular Genetics and Genomics, ARUP Laboratories
Classification: Benign. Last evaluated: 2020-11-08. Review status: criteria provided, single submitter. Criteria: ARUP Molecular Germline Variant Investigation Process 2021. Collection method: clinical testing. Allele origin: germline.

Illumina Laboratory Services, Illumina
Classification: Benign for Neuropathy, hereditary motor and sensory, type 6A. Last evaluated: 2018-01-12. Review status: criteria provided, single submitter. Criteria: ICSL Variant Classification Criteria 13 December 2019. Collection method: clinical testing. Allele origin: germline.
Comment: This variant was observed in the ICSL laboratory as part of a predisposition screen in an ostensibly healthy population. It had not been previously curated by ICSL or reported in the Human Gene Mutation Database (HGMD: prior to June 1st, 2018), and was therefore a candidate for classification through an automated scoring system. Utilizing variant allele frequency, disease prevalence and penetrance estimates, and inheritance mode, an automated score was calculated to assess if this variant is too frequent to cause the disease. Based on the score and internal cut-off values, a variant classified as benign is not then subjected to further curation. The score for this variant resulted in a classification of benign for this disease.

Illumina Laboratory Services, Illumina
Classification: Benign for Charcot-Marie-Tooth disease, type 2. Last evaluated: 2018-01-12. Review status: criteria provided, single submitter. Criteria: ICSL Variant Classification Criteria 13 December 2019. Collection method: clinical testing. Allele origin: germline.
Comment: the same text as in the submission from Illumina Laboratory Services, Illumina above.

GeneDx
Classification: Likely benign. Last evaluated: 2017-11-06. Review status: criteria provided, single submitter. Criteria: GeneDx Variant Classification (06012015). Collection method: clinical testing. Allele origin: germline. Affected: yes.
Comment: This variant is considered likely benign or benign based on one or more of the following criteria: it is a conservative change, it occurs at a poorly conserved position in the protein, it is predicted to be benign by multiple in silico algorithms, and/or has population frequency not consistent with disease.

Molecular Genetics Laboratory, London Health Sciences Centre
Classification: Benign for Charcot-Marie-Tooth disease. Review status: criteria provided, single submitter. Criteria: ACMG Guidelines, 2015. Collection method: clinical testing. Allele origin: germline. Affected: yes.

Clinical Genetics DNA and cytogenetics Diagnostics Lab, Erasmus MC, Erasmus Medical Center
Classification: Likely benign. Review status: no assertion criteria provided. Collection method: clinical testing. Allele origin: germline. Affected: yes. Study: VKGL Data-share Consensus. Not counted in ClinVar's aggregate classification.

Clinical Genetics, Academic Medical Center
Classification: Benign. Review status: no assertion criteria provided. Collection method: clinical testing. Allele origin: germline. Affected: yes. Study: VKGL Data-share Consensus. Not counted in ClinVar's aggregate classification.